The following is an entry in ClinVar:

NM_139027.6(ADAMTS13):c.1393_1394del (p.Ala465fs)

Gene: ADAMTS13 (ADAM metallopeptidase with thrombospondin type 1 motif 13; plus strand). Cytogenetic location: 9q34.2.
Variant type: Microsatellite.
Coding change: c.1393_1394del on transcript NM_139027.6 (MANE Select); coding-DNA positions 1393 to 1394, 2 bases deleted (GC; older notation c.1393_1394delGC).
Protein change: p.Ala465fs; shifts the reading frame from alanine 465.
Molecular consequence: frameshift variant.
Genome position (GRCh38, 1-based): chr9:133,436,913-133,436,914, GC deleted; deleting any 2 consecutive bases within chr9:133,436,911-133,436,914 gives the same sequence; the c. name uses the placement nearest the transcript's 3' end. VCF-style (leftmost placement, unchanged base first): chr9-133436910-GGC-G. GRCh37 (hg19) VCF-style: chr9-136302030-GGC-G.
Other names: c.1393_1394del, p.Ala465fs (NM_139025.5); c.1300_1301del, p.Ala434fs (NM_139026.6); c.1393_1394delGC (NM_139025.4); short protein forms A434fs, A465fs.
Identifiers: ClinVar variation 1069031 (VCV001069031.7), dbSNP rs1564422441, ClinGen allele CA860755575.

ClinVar aggregate classification (germline): Pathogenic/Likely pathogenic. Review status: criteria provided, multiple submitters, no conflicts (2 of 4 stars). 2 submissions from 2 submitters: Pathogenic (1); Likely pathogenic (1). Last evaluated 2023-09-08.

Conditions:
ADAMTS13-related disorder. Also called: ADAMTS13-related condition.

Submissions (2):

PreventionGenetics, part of Exact Sciences
Classification: Likely pathogenic for ADAMTS13-related condition. Last evaluated: 2023-09-08. Review status: criteria provided, single submitter. Criteria: ACMG Guidelines, 2015. Collection method: clinical testing. Allele origin: germline.
Comment: The ADAMTS13 c.1393_1394delGC variant is predicted to result in a frameshift and premature protein termination (p.Ala465Leufs*68). To our knowledge, this variant has not been reported in the literature. This variant is reported in 0.0034% of alleles in individuals of Latino descent in gnomAD. Frameshift variants in ADAMTS13 are expected to be pathogenic. This variant is interpreted as likely pathogenic.

Labcorp Genetics (formerly Invitae), Labcorp
Classification: Pathogenic. Last evaluated: 2017-10-05. Review status: criteria provided, single submitter. Criteria: Invitae Variant Classification Sherloc (09022015). Collection method: clinical testing. Allele origin: germline.
Comment: For these reasons, this variant has been classified as Pathogenic. Loss-of-function variants in ADAMTS13 are known to be pathogenic (PMID: 11586351, 12753286, 21781265). This variant has not been reported in the literature in individuals with ADAMTS13-related disease. This variant is not present in population databases (ExAC no frequency). This sequence change creates a premature translational stop signal (p.Ala465Leufs*68) in the ADAMTS13 gene. It is expected to result in an absent or disrupted protein product.

Literature cited by the submitters: PubMed 11586351 (cited by Labcorp Genetics (formerly Invitae), Labcorp); PubMed 12753286 (cited by Labcorp Genetics (formerly Invitae), Labcorp); PubMed 21781265 (cited by Labcorp Genetics (formerly Invitae), Labcorp).